The following is an entry in ClinVar:

ClinVar aggregate classification (germline): Likely pathogenic. Review status: reviewed by expert panel (3 of 4 stars). 5 submissions from 5 submitters: Likely pathogenic (1). 4 of the submissions do not count toward it. Last evaluated 2025-01-30.

Conditions:
GUCY2D-related recessive retinopathy. Also called: Recessive GUCY2D retinopathy. Identifiers: MedGen CN305603, MONDO:0100453.
Leber congenital amaurosis 1 (LCA1). Also called: AMAUROSIS CONGENITA OF LEBER I; RETINAL BLINDNESS, CONGENITAL; Congenital absence of the rods and cones; Leber's congenital tapetoretinal degeneration; Leber's congenital tapetoretinal dysplasia. Identifiers: Orphanet 65, MedGen C2931258, MONDO:0008764, OMIM 204000.

Allele frequency attached by ClinVar (database versions not stated): gnomAD exomes 0.00001.

Submissions (5):

ClinGen Leber Congenital Amaurosis/early Onset Retinal Dystrophy Variant Curation Expert Panel, ClinGen
Classification: Likely pathogenic for GUCY2D-related recessive retinopathy. Last evaluated: 2025-01-30. Review status: reviewed by expert panel. Criteria: ClinGen LCAeoRD ACMG Specifications GUCY2D V1.0.0. Collection method: curation. Allele origin: germline. Inheritance: Autosomal recessive inheritance.
Comment: NM_000180.4(GUCY2D):c.2983C>T (p.Arg995Trp) is a missense variant that replaces arginine with tryptophan at position p.995, which is located within the active site, a well-characterized functional domain required that binds the GTP substrate and the Mg ion and is required for enzymatic activity (PM1, PMID: 9391039). This variant is present in gnomAD v.4.1.0 at a total allele frequency of 0.000004342, with 7 alleles / 1,612,258 total alleles, which is lower than the ClinGen LCA/eoRD VCEP PM2_Supporting threshold of <0.0004 (PM2_Supporting). This variant has been reported in at least 2 probands with early-onset severe retinal dystrophy who harbored the variant in the compound heterozygous state with either the NM_000180.4:c.2765A>G (p.Tyr922Cys) variant confirmed in trans (PMID: 29844330) or the NM_000180.4(GUCY2D):c.387C>A (p.Asn129Lys) variant suspected in trans (PMID: 10951519). However, the probands were not counted for PM3 to avoid circularity. At least one proband harboring this variant exhibits a phenotype including clinical diagnosis of Leber congenital amaurosis (0.5 pts) with onset at birth (1 pt), inability to follow light or objects, nystagmus (1 pt), normal fundus at birth, RPE mottling (0.5 pts), non-recordable electroretinogram responses from both rods (0.5 pts) and cones (1 pt), severe hyperopia and severe photophobia (1 pt), non-recordable visual field (1 pt) and congenital blindness (1 pt), which together are specific for GUCY2D-related recessive retinopathy (total 7.5 points, PMID: 10951519, PP4). The computational predictor REVEL gives a score of 0.842 which is above the ClinGen LCA/eoRD VCEP threshold of ≥0.773 and predicts a damaging effect on RetGC-1 protein function (PP3_Moderate). The splicing impact predictor SpliceAI gives a score of 0.02 for splice acceptor gain, which is below the ClinGen LCA/eoRD VCEP recommended threshold of ≥0.2 and does not strongly predict an impact on splicing. The mutant protein showed significantly compromised binding to RD3 relative to the wild-type control when exogenously expressed in HEK293 cells and analyzed by co-immunoprecipitation and western blotting (PMID: 25477517). The variant also exhibited 0% enzymatic activity in a guanylate cyclase activity assay relative to the wild-type control, which is lower than the ClinGen LCA/eoRD VCEP PS3_Supporting threshold of <10% activity, indicating that it triggers a severe defect in protein function (PMID: 11328726, PS3_Supporting). In summary, this variant meets the criteria to be classified as likely pathogenic for GUCY2D-related recessive retinopathy based on the ACMG/AMP criteria applied, as specified by the ClinGen LCA/eoRD VCEP: PS3_Supporting, PM1, PM2_Supporting, PP3_Moderate, and PP4. (VCEP specifications version 1.0.0; date of approval 01/22/2025).

Genomic Medicine Center of Excellence, King Faisal Specialist Hospital and Research Centre
Classification: Likely pathogenic for Leber congenital amaurosis 1. Last evaluated: 2024-03-29. Review status: criteria provided, single submitter. Criteria: ACMG Guidelines, 2015. Collection method: clinical testing. Allele origin: germline. Not counted in ClinVar's aggregate classification.

Eurofins Ntd Llc (ga)
Classification: Likely pathogenic. Last evaluated: 2015-03-18. Review status: criteria provided, single submitter. Criteria: EGL Classification Definitions 2015. Collection method: clinical testing. Allele origin: germline. Observed: 3 variant alleles, 2 heterozygotes, 1 homozygote. Not counted in ClinVar's aggregate classification.

Laboratory of Genetics in Ophthalmology, Institut Imagine
Classification: Likely pathogenic for Leber congenital amaurosis 1. Review status: no assertion criteria provided. Collection method: research. Allele origin: inherited. Affected: yes. Observed: 1 variant allele. Not counted in ClinVar's aggregate classification.

Retina International
No classification provided. Review status: no classification provided. Collection method: not provided. Allele origin: not provided. Not counted in ClinVar's aggregate classification.

Literature cited by the submitters: PubMed 10951519 (cited by Laboratory of Genetics in Ophthalmology, Institut Imagine).

NM_000180.4(GUCY2D):c.2983C>T (p.Arg995Trp)

Gene: GUCY2D (guanylate cyclase 2D, retinal; plus strand). Cytogenetic location: 17p13.1.
Variant type: single nucleotide variant.
Coding change: c.2983C>T on transcript NM_000180.4 (MANE Select); coding-DNA position 2983, C replaced by T.
Protein change: p.Arg995Trp; replaces arginine 995 with tryptophan.
Molecular consequence: missense variant.
Genome position (GRCh38, 1-based): chr17:8,015,781, C>T. VCF-style: chr17-8015781-C-T. GRCh37 (hg19) VCF-style: chr17-7919099-C-T.
Other names: NM_000180.4(GUCY2D):c.2983C>T; p.Arg995Trp; short protein forms R995W.
Identifiers: ClinVar variation 98584 (VCV000098584.7), dbSNP rs61750187, ClinGen allele CA226112.
Genomic context (GRCh38, chr17:8,015,781, plus strand): 5'-CCGACCCCCAGCATCTCCACAGGTCCATGCGTGGCAGGCGTGGTGGGCCTCACCATGCCG[C>T]GGTACTGCCTGTTTGGGGACACGGTCAACACCGCCTCGCGCATGGAGTCCACCGGGCTGC-3'
Protein context (NP_000171.1, residues 985-1005): VAGVVGLTMP[Arg995Trp]YCLFGDTVNT